The following is an entry in ClinVar:

ClinVar aggregate classification (germline): Uncertain significance. Review status: criteria provided, multiple submitters, no conflicts (2 of 4 stars). 3 submissions from 3 submitters: Uncertain significance (3). Last evaluated 2024-08-12.

Conditions:
Inborn genetic diseases. Identifiers: MedGen C0950123, MeSH D030342.
Familial focal epilepsy with variable foci (FPEVF). Identifiers: Orphanet 98820, MedGen C1858477, MONDO:0020310.

Allele frequency attached by ClinVar (database versions not stated): gnomAD exomes below 0.00001 and 0.00001; gnomAD 0.00001; TOPMed 0.00001.

Submissions (3):

Labcorp Genetics (formerly Invitae), Labcorp
Classification: Uncertain significance for Familial focal epilepsy with variable foci. Last evaluated: 2024-08-12. Review status: criteria provided, single submitter. Criteria: Invitae Variant Classification Sherloc (09022015). Collection method: clinical testing. Allele origin: germline.
Comment: This sequence change replaces methionine, which is neutral and non-polar, with threonine, which is neutral and polar, at codon 1006 of the DEPDC5 protein (p.Met1006Thr). This variant is present in population databases (no rsID available, gnomAD 0.0009%). This variant has not been reported in the literature in individuals affected with DEPDC5-related conditions. ClinVar contains an entry for this variant (Variation ID: 960450). Experimental studies and prediction algorithms are not available or were not evaluated, and the functional significance of this variant is currently unknown. In summary, the available evidence is currently insufficient to determine the role of this variant in disease. Therefore, it has been classified as a Variant of Uncertain Significance.

Blueprint Genetics
Classification: Uncertain significance. Last evaluated: 2021-04-21. Review status: criteria provided, single submitter. Criteria: ACMG Guidelines, 2015. Collection method: clinical testing. Allele origin: germline.

Ambry Genetics
Classification: Uncertain significance for Inborn genetic diseases. Last evaluated: 2019-08-04. Review status: criteria provided, single submitter. Criteria: Ambry Variant Classification Scheme 2023. Collection method: clinical testing. Allele origin: germline.
Comment: The p.M1006T variant (also known as c.3017T>C), located in coding exon 29 of the DEPDC5 gene, results from a T to C substitution at nucleotide position 3017. The methionine at codon 1006 is replaced by threonine, an amino acid with similar properties. This amino acid position is poorly conserved in available vertebrate species. In addition, this alteration is predicted to be tolerated by in silico analysis. Since supporting evidence is limited at this time, the clinical significance of this alteration remains unclear.

NM_001242896.3(DEPDC5):c.3017T>C (p.Met1006Thr)

Gene: DEPDC5 (DEP domain containing 5, GATOR1 subcomplex subunit; plus strand). Cytogenetic location: 22q12.3.
Variant type: single nucleotide variant.
Coding change: c.3017T>C on transcript NM_001242896.3 (MANE Select); coding-DNA position 3017, T replaced by C.
Protein change: p.Met1006Thr; replaces methionine 1006 with threonine.
Molecular consequence: missense variant. On other transcripts: non-coding transcript variant (5).
Genome position (GRCh38, 1-based): chr22:31,845,233, T>C. VCF-style: chr22-31845233-T-C. GRCh37 (hg19) VCF-style: chr22-32241219-T-C.
Other names: c.2990T>C, p.Met997Thr (NM_001136029.4, NM_001369903.1, NM_014662.6); c.2783T>C, p.Met928Thr (NM_001242897.2, NM_001363854.2, NM_001364319.2); c.3017T>C, p.Met1006Thr (NM_001363852.2, NM_001364318.2, NM_001364320.2); c.2933T>C, p.Met978Thr (NM_001369901.1, NM_001369902.1); short protein forms M978T, M1006T, M928T, M997T.
Identifiers: ClinVar variation 960450 (VCV000960450.9), dbSNP rs935896142, ClinGen allele CA323343928.